The following is an entry in ClinVar:

NM_004260.4(RECQL4):c.2358_2359insACA (p.Val786_Leu787insThr)

Gene: RECQL4 (RecQ like helicase 4; minus strand). Cytogenetic location: 8q24.3.
Variant type: Insertion.
Coding change: c.2358_2359insACA on transcript NM_004260.4 (MANE Select); coding-DNA positions 2358 to 2359, ACA inserted.
Protein change: p.Val786_Leu787insThr.
Molecular consequence: inframe insertion. On other transcripts: inframe indel (23).
Genome position: GRCh38 VCF-style: chr8-144513322-G-GTGT. GRCh37 (hg19) VCF-style: chr8-145738705-G-GTGT.
Other names: c.2358_2359insACA, p.Val786_Leu787insThr (NM_001413019.1, NM_001413036.1); c.2262_2263insACA, p.Val754_Leu755insThr (NM_001413020.1); c.1287_1288insACA, p.Val429_Leu430insThr (NM_001413021.1, NM_001413022.1, NM_001413023.1 and 5 more transcripts); c.2229_2230insACA, p.Val743_Leu744insThr (NM_001413025.1); c.1221_1222insACA, p.Val407_Leu408insThr (NM_001413027.1, NM_001413030.1, NM_001413032.1 and 1 more transcripts); c.2007_2008insACA, p.Val669_Leu670insThr (NM_001413029.1); c.1089_1090insACA, p.Val363_Leu364insThr (NM_001413031.1); c.2226_2227insACA, p.Val742_Leu743insThr (NM_001413033.1); and 5 more.
Identifiers: ClinVar variation 2139399 (VCV002139399.5), dbSNP rs1203435784, ClinGen allele CA848894792.

ClinVar aggregate classification (germline): Uncertain significance. Review status: criteria provided, multiple submitters, no conflicts (2 of 4 stars). 2 submissions from 2 submitters: Uncertain significance (2). Last evaluated 2024-07-19.

Conditions:
Baller-Gerold syndrome (BGS). Also called: CRANIOSYNOSTOSIS WITH RADIAL DEFECTS. Identifiers: Orphanet 1225, MedGen C0265308, MONDO:0009039, OMIM 218600.

Allele frequency attached by ClinVar (database versions not stated): gnomAD exomes below 0.00001; gnomAD 0.00001; TOPMed 0.00001.

Submissions (2):

GeneDx
Classification: Uncertain significance. Last evaluated: 2024-07-19. Review status: criteria provided, single submitter. Criteria: GeneDx Variant Classification Process June 2021. Collection method: clinical testing. Allele origin: germline. Affected: yes.
Comment: Not observed at significant frequency in large population cohorts (gnomAD); In-frame insertion of 1 amino acid in a non-repeat region; Has not been previously published as pathogenic or benign to our knowledge

Labcorp Genetics (formerly Invitae), Labcorp
Classification: Uncertain significance for Baller-Gerold syndrome. Last evaluated: 2023-09-09. Review status: criteria provided, single submitter. Criteria: Invitae Variant Classification Sherloc (09022015). Collection method: clinical testing. Allele origin: germline.
Comment: In summary, the available evidence is currently insufficient to determine the role of this variant in disease. Therefore, it has been classified as a Variant of Uncertain Significance. Experimental studies and prediction algorithms are not available or were not evaluated, and the functional significance of this variant is currently unknown. ClinVar contains an entry for this variant (Variation ID: 2139399). This variant, c.2358_2359insACA, is a complex sequence change that results in the deletion of 2 and insertion of 1 amino acid(s) in the RECQL4 protein (p.Val786_Leu787insThr). This variant is not present in population databases (gnomAD no frequency). This variant has not been reported in the literature in individuals affected with RECQL4-related conditions.